The following is an entry in ClinVar:

NM_000548.5(TSC2):c.2838-7C>A

Gene: TSC2 (TSC complex subunit 2; plus strand). Cytogenetic location: 16p13.3.
Variant type: single nucleotide variant.
Coding change: c.2838-7C>A on transcript NM_000548.5 (MANE Select); 7 bases into the intron before coding-DNA position 2838, C replaced by A.
Molecular consequence: intron variant.
Genome position (GRCh38, 1-based): chr16:2,077,591, C>A. VCF-style: chr16-2077591-C-A. GRCh37 (hg19) VCF-style: chr16-2127592-C-A.
Other names: c.2838-7C>A (NM_001114382.3); c.2837+1006C>A (NM_021055.3, NM_001370405.1, NM_001363528.2 and 2 more transcripts); c.2726+1006C>A (NM_001318827.2); c.2237+1006C>A (NM_001318831.2); c.2690+1006C>A (NM_001318829.2); c.2870+1006C>A (NM_001318832.2).
Identifiers: ClinVar variation 535854 (VCV000535854.11), dbSNP rs752762518, ClinGen allele CA658798509.

ClinVar aggregate classification (germline): Likely benign. Review status: criteria provided, multiple submitters, no conflicts (2 of 4 stars). 2 submissions from 2 submitters: Likely benign (2). Last evaluated 2024-04-16.

Conditions:
Tuberous sclerosis syndrome (TSC). Also called: Tuberous Sclerosis Complex; Tuberous sclerosis. Identifiers: Orphanet 805, MedGen C0041341, MONDO:0001734.
Tuberous sclerosis 2 (TSC2). Identifiers: Orphanet 805, MedGen C1860707, MONDO:0013199, OMIM 613254.

Submissions (2):

All of Us Research Program, National Institutes of Health
Classification: Likely benign for Tuberous sclerosis syndrome. Last evaluated: 2024-04-16. Review status: criteria provided, single submitter. Criteria: ACMG Guidelines, 2015. Collection method: clinical testing. Allele origin: germline. Inheritance: Autosomal dominant inheritance. Observed: 1 variant allele, 1 heterozygote.
Comment: This study involves interpretation of variants in research participants for the purpose of population health screening. Participant phenotype was not available at the time of variant classification. Additional details can be found in publication PMID: 35346344, PMCID: PMC8962531

Labcorp Genetics (formerly Invitae), Labcorp
Classification: Likely benign for Tuberous sclerosis 2. Last evaluated: 2022-11-22. Review status: criteria provided, single submitter. Criteria: Invitae Variant Classification Sherloc (09022015). Collection method: clinical testing. Allele origin: germline.